The following is an entry in ClinVar:

NM_004974.4(KCNA2):c.1071G>T (p.Gln357His)

Gene: KCNA2 (potassium voltage-gated channel subfamily A member 2; minus strand). Cytogenetic location: 1p13.3.
Variant type: single nucleotide variant.
Coding change: c.1071G>T on transcript NM_004974.4 (MANE Select); coding-DNA position 1071, G replaced by T.
Protein change: p.Gln357His; replaces glutamine 357 with histidine.
Molecular consequence: missense variant. On other transcripts: intron variant (1).
Genome position (GRCh38, 1-based): chr1:110,603,712, C>A on the plus strand (G>T on the coding strand, the complement: KCNA2 is on the minus strand). VCF-style: chr1-110603712-C-A. GRCh37 (hg19) VCF-style: chr1-111146334-C-A.
Other names: c.894+177G>T (NM_001204269.2); short protein forms Q357H.
Identifiers: ClinVar variation 2003006 (VCV002003006.4), dbSNP rs2524617022, ClinGen allele CA341602030.

ClinVar aggregate classification (germline): Uncertain significance (1 of 4 stars; one submission).

Conditions:
Developmental and epileptic encephalopathy, 32 (DEE32). Also called: Epileptic encephalopathy, early infantile, 32. Identifiers: Orphanet 442835, MedGen C4225350, MONDO:0014607, OMIM 616366.

Submission:

Labcorp Genetics (formerly Invitae), Labcorp
Classification: Uncertain significance for Developmental and epileptic encephalopathy, 32. Last evaluated: 2025-04-14. Review status: criteria provided, single submitter. Criteria: Invitae Variant Classification Sherloc (09022015). Collection method: clinical testing. Allele origin: germline.
Comment: This sequence change replaces glutamine, which is neutral and polar, with histidine, which is basic and polar, at codon 357 of the KCNA2 protein (p.Gln357His). This variant is not present in population databases (gnomAD no frequency). This variant has not been reported in the literature in individuals affected with KCNA2-related conditions. ClinVar contains an entry for this variant (Variation ID: 2003006). Invitae Evidence Modeling of protein sequence and biophysical properties (such as structural, functional, and spatial information, amino acid conservation, physicochemical variation, residue mobility, and thermodynamic stability) indicates that this missense variant is not expected to disrupt KCNA2 protein function with a negative predictive value of 95%. In summary, the available evidence is currently insufficient to determine the role of this variant in disease. Therefore, it has been classified as a Variant of Uncertain Significance.